The following is an entry in ClinVar:

ClinVar aggregate classification (germline): Uncertain significance (1 of 4 stars; one submission).

Allele frequency attached by ClinVar (database versions not stated): gnomAD exomes below 0.00001 and 0.00001; ExAC 0.00001.
gnomAD v4.1: 5 of 1,601,026 alleles (0.00031%); highest among the groups gnomAD compares: Non-Finnish European, 0.00042%; no homozygotes.

Submission:

GeneDx
Classification: Uncertain significance. Last evaluated: 2019-03-29. Review status: criteria provided, single submitter. Criteria: GeneDx Variant Classification Process June 2021. Collection method: clinical testing. Allele origin: germline. Affected: yes.
Comment: In silico analysis, which includes protein predictors and evolutionary conservation, supports a deleterious effect; Has not been previously published as pathogenic or benign to our knowledge; This variant is associated with the following publications: (PMID: 26740553)

NM_024665.7(TBL1XR1):c.1222A>G (p.Asn408Asp)

Gene: TBL1XR1 (TBL1X/Y related 1; minus strand). Cytogenetic location: 3q26.32.
Variant type: single nucleotide variant.
Coding change: c.1222A>G on transcript NM_024665.7 (MANE Select); coding-DNA position 1222, A replaced by G.
Protein change: p.Asn408Asp; replaces asparagine 408 with aspartic acid.
Molecular consequence: missense variant.
Genome position (GRCh38, 1-based): chr3:177,034,226, T>C on the plus strand (A>G on the coding strand, the complement: TBL1XR1 is on the minus strand). VCF-style: chr3-177034226-T-C. GRCh37 (hg19) VCF-style: chr3-176752014-T-C.
Other names: c.1222A>G, p.Asn408Asp (NM_001321193.3, NM_001321194.3, NM_001374327.1 and 2 more transcripts); c.961A>G, p.Asn321Asp (NM_001321195.3, NM_001374330.1); short protein forms N321D, N408D.
Identifiers: ClinVar variation 1308424 (VCV001308424.2), dbSNP rs754848654, ClinGen allele CA2709815.
Genomic context (GRCh38, chr3:177,034,226, plus strand): 5'-TCATAAAAGGAAAAATGAAACAGAAGTATCACCTTGCTAACATAAGGTTGGCATTTGGAT[T>C]ATTAGTCCCTGGTCCTGTTGGACTCCATTTGATAGTATAAATTTCTTTATTATGTGCTTG-3'
Protein context (NP_078941.2, residues 398-418): KWSPTGPGTN[Asn408Asp]PNANLMLASA